The following is an entry in ClinVar:

ClinVar aggregate classification (germline): Pathogenic (1 of 4 stars; one submission).

Conditions:
Tuberous sclerosis 2 (TSC2). Identifiers: Orphanet 805, MedGen C1860707, MONDO:0013199, OMIM 613254.

Submission:

Labcorp Genetics (formerly Invitae), Labcorp
Classification: Pathogenic for Tuberous sclerosis 2. Last evaluated: 2023-12-26. Review status: criteria provided, single submitter. Criteria: Invitae Variant Classification Sherloc (09022015). Collection method: clinical testing. Allele origin: germline.
Comment: A gross deletion of the genomic region encompassing the full coding sequence of the TSC2 gene has been identified. Loss-of-function variants in TSC2 are known to be pathogenic (PMID: 10205261, 17304050). The boundaries of this event are unknown as they extend beyond the assayed region for this gene and therefore may encompass additional genes. A similar copy number variant has been observed in individuals with tuberous sclerosis (PMID: 12136241, 16114042, 17287951, 28643795). For these reasons, this variant has been classified as Pathogenic.

Literature cited by the submitters: PubMed 10205261; PubMed 17304050; PubMed 12136241; PubMed 16114042; PubMed 17287951; PubMed 28643795.

NC_000016.9:g.(?_2097990)_(2138611_?)del

Gene: TSC2 (TSC complex subunit 2; plus strand). Cytogenetic location: 16p13.3.
Variant type: Deletion.
Identifiers: ClinVar variation 1455109 (VCV001455109.4).